The following is an entry in ClinVar:

ClinVar aggregate classification (germline): Uncertain significance (1 of 4 stars; one submission).

gnomAD v4.1: 122 of 1,614,036 alleles (0.0076%); highest among the groups gnomAD compares: Non-Finnish European, 0.01%; no homozygotes.

Submission:

Labcorp Genetics (formerly Invitae), Labcorp
Classification: Uncertain significance. Last evaluated: 2026-02-01. Review status: criteria provided, single submitter. Criteria: Invitae Variant Classification Sherloc (09022015). Collection method: clinical testing. Allele origin: germline.
Comment: This sequence change replaces arginine, which is basic and polar, with tryptophan, which is neutral and slightly polar, at codon 138 of the PLTP protein (p.Arg138Trp). This variant is present in population databases (rs377218597, gnomAD 0.006%). This variant has not been reported in the literature in individuals affected with PLTP-related conditions. ClinVar contains an entry for this variant (Variation ID: 3649033). An algorithm developed to predict the effect of missense changes on protein structure and function (PolyPhen-2) suggests that this variant is likely to be disruptive. In summary, the available evidence is currently insufficient to determine the role of this variant in disease. Therefore, it has been classified as a Variant of Uncertain Significance.

NM_006227.4(PLTP):c.412C>T (p.Arg138Trp)

Gene: PLTP (phospholipid transfer protein; minus strand). Cytogenetic location: 20q13.12.
Variant type: single nucleotide variant.
Coding change: c.412C>T on transcript NM_006227.4 (MANE Select); coding-DNA position 412, C replaced by T.
Protein change: p.Arg138Trp; replaces arginine 138 with tryptophan.
Molecular consequence: missense variant. On other transcripts: intron variant (2).
Genome position (GRCh38, 1-based): chr20:45,909,589, G>A on the plus strand (C>T on the coding strand, the complement: PLTP is on the minus strand). VCF-style: chr20-45909589-G-A. GRCh37 (hg19) VCF-style: chr20-44538228-G-A.
Other names: c.148C>T, p.Arg50Trp (NM_001242921.1); c.200+1563C>T (NM_001242920.2); c.329+353C>T (NM_182676.3); short protein forms R50W, R138W.
Identifiers: ClinVar variation 3649033 (VCV003649033.2).